The following is an entry in ClinVar:

ClinVar aggregate classification (germline): Uncertain significance (1 of 4 stars; one submission).

Allele frequency attached by ClinVar (database versions not stated): gnomAD exomes below 0.00001.
gnomAD v4.1: 1 of 1,551,614 alleles (0.000064%); highest among the groups gnomAD compares: Admixed American, 0.002%; no homozygotes.

Submission:

Labcorp Genetics (formerly Invitae), Labcorp
Classification: Uncertain significance. Last evaluated: 2022-02-20. Review status: criteria provided, single submitter. Criteria: Invitae Variant Classification Sherloc (09022015). Collection method: clinical testing. Allele origin: germline.
Comment: In summary, the available evidence is currently insufficient to determine the role of this variant in disease. Therefore, it has been classified as a Variant of Uncertain Significance. Algorithms developed to predict the effect of missense changes on protein structure and function are either unavailable or do not agree on the potential impact of this missense change (SIFT: "Not Available"; PolyPhen-2: "Possibly Damaging"; Align-GVGD: "Not Available"). This variant has not been reported in the literature in individuals affected with UNC80-related conditions. This variant is not present in population databases (gnomAD no frequency). This sequence change replaces lysine, which is basic and polar, with glutamine, which is neutral and polar, at codon 975 of the UNC80 protein (p.Lys975Gln).

NM_001371986.1(UNC80):c.2923A>C (p.Lys975Gln)

Gene: UNC80 (unc-80 subunit of NALCN channel complex; plus strand). Cytogenetic location: 2q34.
Variant type: single nucleotide variant.
Coding change: c.2923A>C on transcript NM_001371986.1 (MANE Select); coding-DNA position 2923, A replaced by C.
Protein change: p.Lys975Gln; replaces lysine 975 with glutamine.
Molecular consequence: missense variant.
Genome position (GRCh38, 1-based): chr2:209,834,149, A>C. VCF-style: chr2-209834149-A-C. GRCh37 (hg19) VCF-style: chr2-210698873-A-C.
Other names: c.2923A>C, p.Lys975Gln (NM_032504.2); c.2908A>C, p.Lys970Gln (NM_182587.4); short protein forms K970Q, K975Q.
Identifiers: ClinVar variation 1956660 (VCV001956660.5), dbSNP rs2081184898, ClinGen allele CA350411754.
Genomic context (GRCh38, chr2:209,834,149, plus strand): 5'-CTTGACAGTGCCGAGAAGTTAGCACCAGGGAAAAAGGTGGAGGAGAATGAACAGGAATCT[A>C]AGCCTGCAGGCAGTAAAAGGTTGGAAGCTTGAACTCTCTGAATATTACTGTTTGCCTTAA-3'
Protein context (NP_001358915.1, residues 965-985): KKVEENEQES[Lys975Gln]PAGSKRSEAG